The following is an entry in ClinVar:

NM_022047.4(DEF6):c.1682C>T (p.Pro561Leu)

Gene: DEF6 (DEF6 guanine nucleotide exchange factor; plus strand). Cytogenetic location: 6p21.31.
Variant type: single nucleotide variant.
Coding change: c.1682C>T on transcript NM_022047.4 (MANE Select); coding-DNA position 1682, C replaced by T.
Protein change: p.Pro561Leu; replaces proline 561 with leucine.
Molecular consequence: missense variant.
Genome position (GRCh38, 1-based): chr6:35,321,196, C>T. VCF-style: chr6-35321196-C-T. GRCh37 (hg19) VCF-style: chr6-35288973-C-T.
Other names: short protein forms P561L.
Identifiers: ClinVar variation 1427096 (VCV001427096.4), dbSNP rs149576757, ClinGen allele CA3770989.

ClinVar aggregate classification (germline): Uncertain significance. Review status: criteria provided, multiple submitters, no conflicts (2 of 4 stars). 2 submissions from 2 submitters: Uncertain significance (2). Last evaluated 2022-07-19.

Allele frequency attached by ClinVar (database versions not stated): gnomAD 0.00001; gnomAD exomes 0.00001; TOPMed 0.00001; ExAC 0.00002; ESP Exome Variant Server 0.00008.
gnomAD v4.1: 8 of 1,612,106 alleles (0.0005%); highest among the groups gnomAD compares: African/African-American, 0.0027%; no homozygotes.

Submissions (2):

Labcorp Genetics (formerly Invitae), Labcorp
Classification: Uncertain significance. Last evaluated: 2022-07-19. Review status: criteria provided, single submitter. Criteria: Invitae Variant Classification Sherloc (09022015). Collection method: clinical testing. Allele origin: germline.
Comment: This sequence change replaces proline, which is neutral and non-polar, with leucine, which is neutral and non-polar, at codon 561 of the DEF6 protein (p.Pro561Leu). This variant is present in population databases (rs149576757, gnomAD 0.01%). This variant has not been reported in the literature in individuals affected with DEF6-related conditions. ClinVar contains an entry for this variant (Variation ID: 1427096). Algorithms developed to predict the effect of missense changes on protein structure and function (SIFT, PolyPhen-2, Align-GVGD) all suggest that this variant is likely to be tolerated. In summary, the available evidence is currently insufficient to determine the role of this variant in disease. Therefore, it has been classified as a Variant of Uncertain Significance.

Breakthrough Genomics
Classification: Uncertain significance. Review status: criteria provided, single submitter. Criteria: ACMG Guidelines, 2015. Collection method: not provided. Allele origin: germline. Inheritance: Autosomal recessive inheritance. Affected: yes.